The following is an entry in ClinVar:

ClinVar aggregate classification (germline): Uncertain significance. Review status: criteria provided, multiple submitters, no conflicts (2 of 4 stars). 2 submissions from 2 submitters: Uncertain significance (2). Last evaluated 2022-08-19.

Conditions:
Fanconi anemia complementation group Q. Identifiers: Orphanet 84, MedGen C3808988, MONDO:0014108, OMIM 615272.
Xeroderma pigmentosum, group F (XPF). Also called: XERODERMA PIGMENTOSUM, COMPLEMENTATION GROUP F; XERODERMA PIGMENTOSUM, TYPE F; Xeroderma pigmentosum, type 6; XERODERMA PIGMENTOSUM VI; XP, GROUP F; ERCC4-Related Xeroderma Pigmentosum. Identifiers: MedGen C0268140, MONDO:0010215, OMIM 278760.
Cockayne syndrome. Identifiers: Orphanet 191, MedGen C0009207, MONDO:0016006.
Inborn genetic diseases. Identifiers: MedGen C0950123, MeSH D030342.

Allele frequency attached by ClinVar (database versions not stated): ExAC 0.00001; gnomAD 0.00001; 1000 Genomes Project 0.00020; 1000 Genomes Project 30x 0.00031.
gnomAD v4.1: 2 of 1,606,294 alleles (0.00012%); highest among the groups gnomAD compares: Admixed American, 0.0033%; no homozygotes.

Submissions (2):

Labcorp Genetics (formerly Invitae), Labcorp
Classification: Uncertain significance for Fanconi anemia complementation group Q; Xeroderma pigmentosum, group F; Cockayne syndrome. Last evaluated: 2022-08-19. Review status: criteria provided, single submitter. Criteria: Invitae Variant Classification Sherloc (09022015). Collection method: clinical testing. Allele origin: germline.
Comment: This sequence change replaces tyrosine, which is neutral and polar, with phenylalanine, which is neutral and non-polar, at codon 606 of the ERCC4 protein (p.Tyr606Phe). This variant is present in population databases (rs189463122, gnomAD 0.003%). This variant has not been reported in the literature in individuals affected with ERCC4-related conditions. Algorithms developed to predict the effect of missense changes on protein structure and function are either unavailable or do not agree on the potential impact of this missense change (SIFT: "Deleterious"; PolyPhen-2: "Probably Damaging"; Align-GVGD: "Class C15"). Algorithms developed to predict the effect of sequence changes on RNA splicing suggest that this variant may create or strengthen a splice site. In summary, the available evidence is currently insufficient to determine the role of this variant in disease. Therefore, it has been classified as a Variant of Uncertain Significance.

Ambry Genetics
Classification: Uncertain significance for Inborn genetic diseases. Last evaluated: 2022-05-10. Review status: criteria provided, single submitter. Criteria: Ambry Variant Classification Scheme 2023. Collection method: clinical testing. Allele origin: germline.

NM_005236.3(ERCC4):c.1817A>T (p.Tyr606Phe)

Gene: ERCC4 (ERCC excision repair 4, endonuclease catalytic subunit; plus strand). Cytogenetic location: 16p13.12.
Variant type: single nucleotide variant.
Coding change: c.1817A>T on transcript NM_005236.3 (MANE Select); coding-DNA position 1817, A replaced by T.
Protein change: p.Tyr606Phe; replaces tyrosine 606 with phenylalanine.
Molecular consequence: missense variant.
Genome position (GRCh38, 1-based): chr16:13,937,771, A>T. VCF-style: chr16-13937771-A-T. GRCh37 (hg19) VCF-style: chr16-14031628-A-T.
Other names: short protein forms Y606F.
Identifiers: ClinVar variation 1957359 (VCV001957359.6), dbSNP rs189463122, ClinGen allele CA7910563.
Genomic context (GRCh38, chr16:13,937,771, plus strand): 5'-TTCAGGGATTAAAAATGCTGTTTTTCCAACCTAAAAGTTCTGTCTTAACATGCAGGGTTT[A>T]CTTTCTTATATACGGAGGTTCAACTGAGGAACAACGCTATCTCACTGCTTTGCGGAAAGA-3'
Protein context (NP_005227.1, residues 596-616): ASRPGKPLRV[Tyr606Phe]FLIYGGSTEE